The following is an entry in ClinVar:

ClinVar aggregate classification (germline): Conflicting classifications of pathogenicity. Review status: criteria provided, conflicting classifications (1 of 4 stars). 10 submissions from 9 submitters: Uncertain significance (7); Likely benign (2). 1 of the submissions does not count toward it. Last evaluated 2025-12-14.

Conditions:
Inborn genetic diseases. Identifiers: MedGen C0950123, MeSH D030342.
Usher syndrome type 1 (USH1). Also called: RETINITIS PIGMENTOSA AND CONGENITAL DEAFNESS. Identifiers: Orphanet 231169, Orphanet 886, MedGen C1568247, MONDO:0010168, OMIM 276900.
Autosomal recessive nonsyndromic hearing loss 12. Also called: DEAFNESS, AUTOSOMAL RECESSIVE 12. Identifiers: Orphanet 90636, MedGen C1832394, MONDO:0011067, OMIM 601386.
Usher syndrome type 1D (USH1D). Also called: USHER SYNDROME, TYPE ID. Identifiers: Orphanet 231169, Orphanet 886, MedGen C1832845, MONDO:0010984, OMIM 601067.

Allele frequency attached by ClinVar (database versions not stated): ESP Exome Variant Server 0.00017; gnomAD 0.00020 and 0.00021; TOPMed 0.00020; gnomAD exomes 0.00025; ExAC 0.00035.
gnomAD v4.1: 396 of 1,613,708 alleles (0.025%); highest among the groups gnomAD compares: Non-Finnish European, 0.03%; no homozygotes.

Submissions (10):

Labcorp Genetics (formerly Invitae), Labcorp
Classification: Likely benign. Last evaluated: 2025-12-14. Review status: criteria provided, single submitter. Criteria: Invitae Variant Classification Sherloc (09022015). Collection method: clinical testing. Allele origin: germline.

GeneDx
Classification: Uncertain significance. Last evaluated: 2025-06-13. Review status: criteria provided, single submitter. Criteria: GeneDx Variant Classification Process June 2021. Collection method: clinical testing. Allele origin: germline. Affected: yes.
Comment: In silico analysis suggests that this missense variant does not alter protein structure/function; Has not been previously published as pathogenic or benign to our knowledge

Ambry Genetics
Classification: Uncertain significance for Inborn genetic diseases. Last evaluated: 2025-01-17. Review status: criteria provided, single submitter. Criteria: Ambry Variant Classification Scheme 2023. Collection method: clinical testing. Allele origin: germline.

CeGaT Center for Human Genetics Tuebingen
Classification: Uncertain significance. Last evaluated: 2024-11-01. Review status: criteria provided, single submitter. Criteria: CeGaT Center For Human Genetics Tuebingen Variant Classification Criteria Version 2. Collection method: clinical testing. Allele origin: germline. Affected: yes. Observed: 2 variant alleles.
Comment: CDH23: PM2:Supporting, BP4

Blueprint Genetics
Classification: Uncertain significance. Last evaluated: 2024-10-10. Review status: criteria provided, single submitter. Criteria: ACMG Guidelines, 2015. Collection method: clinical testing. Allele origin: germline.

Institute for Clinical Genetics, University Hospital TU Dresden, University Hospital TU Dresden
Classification: Uncertain significance. Last evaluated: 2021-11-03. Review status: criteria provided, single submitter. Criteria: ACMG Guidelines, 2015. Collection method: clinical testing. Allele origin: germline.

Illumina Laboratory Services, Illumina
Classification: Uncertain significance for Autosomal recessive nonsyndromic hearing loss 12. Last evaluated: 2018-01-13. Review status: criteria provided, single submitter. Criteria: ICSL Variant Classification Criteria 13 December 2019. Collection method: clinical testing. Allele origin: germline.

Illumina Laboratory Services, Illumina
Classification: Uncertain significance for Usher syndrome type 1D. Last evaluated: 2018-01-13. Review status: criteria provided, single submitter. Criteria: ICSL Variant Classification Criteria 13 December 2019. Collection method: clinical testing. Allele origin: germline.

Laboratory for Molecular Medicine, Mass General Brigham Personalized Medicine
Classification: Likely benign. Last evaluated: 2015-07-17. Review status: criteria provided, single submitter. Criteria: LMM Criteria. Collection method: clinical testing. Allele origin: germline. Observed: 1 variant allele.
Comment: p.Pro904Leu in exon 24 of CDH23: This variant is not expected to have clinical s ignificance due to a lack of conservation across species, including mammals. Of note, 3 mammals (opossum, Tasmanian devil, wallaby) carry a leucine (Leu) at thi s position. In addition, computational prediction tools do not suggest a high li kelihood of impact to the protein. It has also been identified in 0.1% (40/66558 ) of European chromosomes by the Exome Aggregation Consortium (ExAC .; dbSNP rs199894395).

Natera, Inc.
Classification: Uncertain significance for Usher syndrome type 1. Last evaluated: 2020-04-15. Review status: no assertion criteria provided. Collection method: clinical testing. Allele origin: germline. Not counted in ClinVar's aggregate classification.

NM_022124.6(CDH23):c.2711C>T (p.Pro904Leu)

Gene: CDH23 (cadherin related 23; plus strand). Cytogenetic location: 10q22.1.
Variant type: single nucleotide variant.
Coding change: c.2711C>T on transcript NM_022124.6 (MANE Select); coding-DNA position 2711, C replaced by T.
Protein change: p.Pro904Leu; replaces proline 904 with leucine.
Molecular consequence: missense variant.
Genome position (GRCh38, 1-based): chr10:71,702,672, C>T. VCF-style: chr10-71702672-C-T. GRCh37 (hg19) VCF-style: chr10-73462429-C-T.
Other names: c.2711C>T, p.Pro904Leu (NM_001171930.2, NM_001171931.2); short protein forms P904L.
Identifiers: ClinVar variation 227221 (VCV000227221.47), dbSNP rs199894395, ClinGen allele CA5544299.
Genomic context (GRCh38, chr10:71,702,672, plus strand): 5'-ATGACAATGACCCCACCTTTCAGAACCTGCCTTTTGTGGCCGAGGTGCTTGAAGGCATCC[C>T]GGCGGGGGTCTCCATCTACCAAGTGAGTCTCTATCATCTCATTCCTACCAGCCCAGAGGT-3'
Protein context (NP_071407.4, residues 894-914): PFVAEVLEGI[Pro904Leu]AGVSIYQVVA